The following is an entry in ClinVar:

ClinVar aggregate classification (germline): Uncertain significance (1 of 4 stars; one submission).

Allele frequency attached by ClinVar (database versions not stated): gnomAD exomes below 0.00001; ExAC 0.00001; gnomAD 0.00001.
gnomAD v4.1: 5 of 1,609,820 alleles (0.00031%); highest among the groups gnomAD compares: Non-Finnish European, 0.00042%; no homozygotes.

Submission:

Labcorp Genetics (formerly Invitae), Labcorp
Classification: Uncertain significance. Last evaluated: 2021-03-25. Review status: criteria provided, single submitter. Criteria: Invitae Variant Classification Sherloc (09022015). Collection method: clinical testing. Allele origin: germline.
Comment: This sequence change replaces asparagine with serine at codon 25 of the TOP2B protein (p.Asn25Ser). The asparagine residue is weakly conserved and there is a small physicochemical difference between asparagine and serine. In summary, the available evidence is currently insufficient to determine the role of this variant in disease. Therefore, it has been classified as a Variant of Uncertain Significance. Algorithms developed to predict the effect of sequence changes on RNA splicing suggest that this variant may create or strengthen a splice site, but this prediction has not been confirmed by published transcriptional studies. Algorithms developed to predict the effect of missense changes on protein structure and function (SIFT, PolyPhen-2, Align-GVGD) all suggest that this variant is likely to be tolerated, but these predictions have not been confirmed by published functional studies and their clinical significance is uncertain. This variant has not been reported in the literature in individuals with TOP2B-related conditions. This variant is present in population databases (rs762587075, ExAC 0.002%).

NM_001330700.2(TOP2B):c.89A>G (p.Asn30Ser)

Gene: TOP2B (DNA topoisomerase II beta; minus strand). Cytogenetic location: 3p24.2.
Variant type: single nucleotide variant.
Coding change: c.89A>G on transcript NM_001330700.2 (MANE Select); coding-DNA position 89, A replaced by G.
Protein change: p.Asn30Ser; replaces asparagine 30 with serine.
Molecular consequence: missense variant.
Genome position (GRCh38, 1-based): chr3:25,645,451, T>C on the plus strand (A>G on the coding strand, the complement: TOP2B is on the minus strand). VCF-style: chr3-25645451-T-C. GRCh37 (hg19) VCF-style: chr3-25686942-T-C.
Other names: c.74A>G, p.Asn25Ser (NM_001068.3); short protein forms N30S, N25S.
Identifiers: ClinVar variation 1422427 (VCV001422427.8), dbSNP rs762587075, ClinGen allele CA2288980.
Genomic context (GRCh38, chr3:25,645,451, plus strand): 5'-GACAACTTCTTTGAAGAATCATTTTTGTTGGCAGTTTCTGACTCTTCTTTTTTTGCAGCA[T>C]TGTTCTGATCAAAAAGAGTCTAAAATTAACCAAAAAATCAAATTTAAATAACCTACCAAG-3'
Protein context (NP_001317629.1, residues 20-40): LTWVTLFDQN[Asn30Ser]AAKKEESETA